The following is an entry in ClinVar:

ClinVar aggregate classification (germline): Uncertain significance. Review status: criteria provided, multiple submitters, no conflicts (2 of 4 stars). 4 submissions from 4 submitters: Uncertain significance (3). 1 of the submissions does not count toward it. Last evaluated 2026-06-25.

Conditions:
COL7A1-related disorder. Also called: COL7A1-related condition; COL7A1- related disorders.
Inborn genetic diseases. Identifiers: MedGen C0950123, MeSH D030342.
Epidermolysis bullosa dystrophica inversa, autosomal recessive. Identifiers: MedGen C2673612.

Allele frequency attached by ClinVar (database versions not stated): TOPMed 0.00001.
gnomAD v4.1: 5 of 1,598,550 alleles (0.00031%); no homozygotes.

Submissions (4):

PreventionGenetics, part of Exact Sciences
Classification: Uncertain significance for COL7A1-related condition. Last evaluated: 2026-06-25. Review status: criteria provided, single submitter. Criteria: ACMG Guidelines, 2015. Collection method: clinical testing. Allele origin: germline.
Comment: The COL7A1 c.2729G>T variant is predicted to result in the amino acid substitution p.Arg910Leu. To our knowledge, this variant has not been reported in the literature. This variant is reported in 0.0063% of alleles in individuals of East Asian descent in gnomAD. At this time, the clinical significance of this variant is uncertain due to the absence of conclusive functional and genetic evidence.

Ambry Genetics
Classification: Uncertain significance for Inborn genetic diseases. Last evaluated: 2025-02-19. Review status: criteria provided, single submitter. Criteria: Ambry Variant Classification Scheme 2023. Collection method: clinical testing. Allele origin: germline.

Labcorp Genetics (formerly Invitae), Labcorp
Classification: Uncertain significance. Last evaluated: 2024-12-14. Review status: criteria provided, single submitter. Criteria: Invitae Variant Classification Sherloc (09022015). Collection method: clinical testing. Allele origin: germline.
Comment: This sequence change replaces arginine, which is basic and polar, with leucine, which is neutral and non-polar, at codon 910 of the COL7A1 protein (p.Arg910Leu). The frequency data for this variant in the population databases is considered unreliable, as metrics indicate poor data quality at this position in the gnomAD database. This variant has not been reported in the literature in individuals affected with COL7A1-related conditions. ClinVar contains an entry for this variant (Variation ID: 990206). Invitae Evidence Modeling of protein sequence and biophysical properties (such as structural, functional, and spatial information, amino acid conservation, physicochemical variation, residue mobility, and thermodynamic stability) indicates that this missense variant is not expected to disrupt COL7A1 protein function with a negative predictive value of 95%. In summary, the available evidence is currently insufficient to determine the role of this variant in disease. Therefore, it has been classified as a Variant of Uncertain Significance.

Natera, Inc.
Classification: Uncertain significance for Autosomal recessive epidermolysis bullosa dystrophica inversa. Last evaluated: 2020-09-18. Review status: no assertion criteria provided. Collection method: clinical testing. Allele origin: germline. Not counted in ClinVar's aggregate classification.

NM_000094.4(COL7A1):c.2729G>T (p.Arg910Leu)

Gene: COL7A1 (collagen type VII alpha 1 chain; minus strand). Cytogenetic location: 3p21.31.
Variant type: single nucleotide variant.
Coding change: c.2729G>T on transcript NM_000094.4 (MANE Select); coding-DNA position 2729, G replaced by T.
Protein change: p.Arg910Leu; replaces arginine 910 with leucine.
Molecular consequence: missense variant.
Genome position (GRCh38, 1-based): chr3:48,587,921, C>A on the plus strand (G>T on the coding strand, the complement: COL7A1 is on the minus strand). VCF-style: chr3-48587921-C-A. GRCh37 (hg19) VCF-style: chr3-48625354-C-A.
Other names: c.2729G>T (NM_000094.3); short protein forms R910L.
Identifiers: ClinVar variation 990206 (VCV000990206.4), dbSNP rs373718618, ClinGen allele CA73986655.